The following is an entry in ClinVar:

NM_206933.4(USH2A):c.4616C>T (p.Thr1539Ile)

Gene: USH2A (usherin; minus strand). Cytogenetic location: 1q41.
Variant type: single nucleotide variant.
Coding change: c.4616C>T on transcript NM_206933.4 (MANE Select); coding-DNA position 4616, C replaced by T.
Protein change: p.Thr1539Ile; replaces threonine 1539 with isoleucine.
Molecular consequence: missense variant.
Genome position (GRCh38, 1-based): chr1:216,175,263, G>A on the plus strand (C>T on the coding strand, the complement: USH2A is on the minus strand). VCF-style: chr1-216175263-G-A. GRCh37 (hg19) VCF-style: chr1-216348605-G-A.
Other names: c.4616C>T, p.Thr1539Ile (NM_007123.6); short protein forms T1539I.
Identifiers: ClinVar variation 550482 (VCV000550482.19), dbSNP rs758095361, ClinGen allele CA1395684.

ClinVar aggregate classification (germline): Conflicting classifications of pathogenicity. Review status: criteria provided, conflicting classifications (1 of 4 stars). 11 submissions from 11 submitters: Likely pathogenic (8); Uncertain significance (3). Last evaluated 2025-12-15.

Conditions:
Retinal dystrophy. Also called: Inherited retinal dystrophy. Identifiers: Orphanet 71862, MedGen C0854723, MeSH D058499, MONDO:0019118, HP:0000556.
Retinitis pigmentosa 39 (RP39). Identifiers: Orphanet 791, MedGen C3151138, MONDO:0013436, OMIM 613809.
Usher syndrome type 2A. Also called: RETINAL DISEASE IN USHER SYNDROME TYPE IIA, MODIFIER OF; USHER SYNDROME, TYPE IIA. Identifiers: Orphanet 231178, Orphanet 886, MedGen C1848634, MONDO:0010169, OMIM 276901.
Usher syndrome. Also called: Usher's syndrome; Usher Syndromes. Identifiers: Orphanet 886, MedGen CN469326, MeSH D052245, MONDO:0019501. Disease mechanism: loss of function.
USH2A-related disorder. Also called: USH2A-related disorders; USH2A-related condition. Identifiers: MedGen CN239332.

Allele frequency attached by ClinVar (database versions not stated): gnomAD 0.00001; gnomAD exomes 0.00003 and 0.00006; TOPMed 0.00003; ExAC 0.00008.
gnomAD v4.1: 39 of 1,613,546 alleles (0.0024%); highest among the groups gnomAD compares: East Asian, 0.087%; no homozygotes.

Submissions (11):

Labcorp Genetics (formerly Invitae), Labcorp
Classification: Likely pathogenic. Last evaluated: 2025-12-15. Review status: criteria provided, single submitter. Criteria: Invitae Variant Classification Sherloc (09022015). Collection method: clinical testing. Allele origin: germline.
Comment: This sequence change replaces threonine, which is neutral and polar, with isoleucine, which is neutral and non-polar, at codon 1539 of the USH2A protein (p.Thr1539Ile). This variant is present in population databases (rs758095361, gnomAD 0.09%). This missense change has been observed in individual(s) with clinical features of USH2A-related conditions (PMID: 23661368, 23967202, 29625443, 30029497, 31960602, 32188678, 36597107). ClinVar contains an entry for this variant (Variation ID: 550482). Invitae Evidence Modeling of protein sequence and biophysical properties (such as structural, functional, and spatial information, amino acid conservation, physicochemical variation, residue mobility, and thermodynamic stability) has been performed for this missense variant. However, the output from this modeling did not meet the statistical confidence thresholds required to predict the impact of this variant on USH2A protein function. In summary, the currently available evidence indicates that the variant is pathogenic, but additional data are needed to prove that conclusively. Therefore, this variant has been classified as Likely Pathogenic.

Natera, Inc.
Classification: Likely pathogenic for Usher syndrome type 2A. Last evaluated: 2025-11-14. Review status: criteria provided, single submitter. Criteria: Natera Variant Classification Schema (03/2026). Collection method: clinical testing. Allele origin: germline.
Comment: The c.4616C>T variant in USH2A is a missense variant predicted to cause substitution of threonine to isoleucine at amino acid 1539. This variant is rare in the general population with a frequency below the threshold expected for the associated phenotype(s). This variant has been observed in one or more individuals affected with the associated recessive disease, as either homozygous or compound heterozygous with a second variant (PMID: 32188678, 31960602, 30029497). This variant has been found together with another disease-causing variant in the same copy of the gene (PMID: 29625443). Computational prediction algorithms indicate this variant is likely to affect gene or protein function. Given the available evidence, this variant is classified as Likely Pathogenic.

PreventionGenetics, part of Exact Sciences
Classification: Uncertain significance for USH2A-related condition. Last evaluated: 2025-11-07. Review status: criteria provided, single submitter. Criteria: ACMG Guidelines, 2015. Collection method: clinical testing. Allele origin: germline.
Comment: The USH2A c.4616C>T variant is predicted to result in the amino acid substitution p.Thr1539Ile. This variant has been reported in the homozygous and presumed compound heterozygous states in several individuals with either Usher syndrome or nonsyndromic retinitis pigmentosa (RP) (Table S1, Wang et al. 2018. PubMed ID: 30029497; Dan et al. 2020. PubMed ID: 31960602; Table S1, Gao et al. 2021. PubMed ID: 32188678). However, this variant has also been reported in the heterozygous state in an individual with Usher syndrome who was compound heterozygous for two other disease-causing USH2A variants (Table S4, Sun et al. 2018. PubMed ID: 29625443) and in another individual with autosomal dominant RP due to a heterozygous loss-of-function variant in the PRPF8 gene (Table S8, Koyanagi et al. 2019. PubMed ID: 31213501). This variant is reported in 0.088% of alleles in individuals of East Asian descent in gnomAD. Although we suspect that the p.Thr1539Ile variant may be pathogenic, the clinical significance of this variant is uncertain at this time due to the absence of conclusive functional and genetic evidence.

3billion
Classification: Likely pathogenic for Retinitis pigmentosa 39. Last evaluated: 2024-09-06. Review status: criteria provided, single submitter. Criteria: ACMG Guidelines, 2015. Collection method: clinical testing. Allele origin: germline. Affected: yes.
Comment: The variant is observed at an extremely low frequency in the gnomAD v4.0.0 dataset (total allele frequency: 0.002%). Predicted Consequence/Location: Missense variant. The majority of the known disease-causing variants of this gene are variants expected to result in premature termination of the protein. The same nucleotide change resulting in the same amino acid change has been previously reported as pathogenic/likely pathogenic with strong evidence (ClinVar ID: VCV000550482 /PMID: 23967202). Therefore, this variant is classified as Likely pathogenic according to the recommendation of ACMG/AMP guideline.

Baylor Genetics
Classification: Likely pathogenic for Retinitis pigmentosa 39. Last evaluated: 2024-03-24. Review status: criteria provided, single submitter. Criteria: ACMG Guidelines, 2015. Collection method: clinical testing. Allele origin: unknown.

Fulgent Genetics
Classification: Likely pathogenic for Usher syndrome type 2A; Retinitis pigmentosa 39. Last evaluated: 2024-01-24. Review status: criteria provided, single submitter. Criteria: ACMG Guidelines, 2015. Collection method: clinical testing. Allele origin: germline.

Blueprint Genetics
Classification: Likely pathogenic for USH2A-related disorders. Last evaluated: 2023-11-13. Review status: criteria provided, single submitter. Criteria: ACMG Guidelines, 2015. Collection method: clinical testing. Allele origin: germline. Affected: yes. Observed: 5 variant alleles.

Dept Of Ophthalmology, Nagoya University
Classification: Uncertain significance for Retinal dystrophy. Last evaluated: 2023-10-01. Review status: criteria provided, single submitter. Criteria: Submitter's publication. Collection method: research. Allele origin: germline. Affected: yes.

Myriad Genetics, Inc.
Classification: Uncertain significance for Usher syndrome type 2A. Last evaluated: 2021-11-11. Review status: criteria provided, single submitter. Criteria: Myriad Women's Health Autosomal Recessive and X-Linked Classification Criteria (2021). Collection method: clinical testing. Allele origin: unknown.
Comment: NM_206933.2(USH2A):c.4616C>T(T1539I) is a missense variant classified as a variant of uncertain significance in the context of USH2A-related disorders. T1539I has been observed in cases with relevant disease (PMID: 23967202, 30029497, 29625443, 25268133, 32188678, 31960602, 31213501). Functional assessments of this variant are not available in the literature. T1539I has been observed in population frequency databases (gnomAD: EAS 0.09%). In summary, there is insufficient evidence to classify NM_206933.2(USH2A):c.4616C>T(T1539I) as pathogenic or benign. Please note: this variant was assessed in the context of healthy population screening.

Women's Health and Genetics/Laboratory Corporation of America, LabCorp
Classification: Likely pathogenic for Usher syndrome. Last evaluated: 2021-09-27. Review status: criteria provided, single submitter. Criteria: LabCorp Variant Classification Summary - May 2015. Collection method: clinical testing. Allele origin: germline.
Comment: Variant summary: USH2A c.4616C>T (p.Thr1539Ile) results in a non-conservative amino acid change located in the Laminin G domain (IPR001791) of the encoded protein sequence. Four of five in-silico tools predict a damaging effect of the variant on protein function. The variant allele was found at a frequency of 6.4e-05 in 250428 control chromosomes. This frequency is not significantly higher than estimated for a pathogenic variant in USH2A causing Usher Syndrome (6.4e-05 vs 0.011), allowing no conclusion about variant significance. c.4616C>T has been reported in the literature in well-genotyped cohorts of East Asian origin (WES and large NGS panels) as a compound heterozygous genotype in a family with Leber congenital amaurosis (LCA) (Chen_2013), Usher syndrome (Wang_2018) and Retinitis Pigmentosa (Dan_2020), as a homozygous genotype in a patient with Retinitis Pigmentosa (Gao_2021), and as a non-informative genotype (second variant not specified) in a patient with deafness, Retinitis pigmentosa (RP) and Usher syndrome (Miyagawa_2013, Katagiri_2014, Sun_2018). These data indicate that the variant is likely to be associated with disease. To our knowledge, no experimental evidence demonstrating an impact on protein function has been reported. Two clinical diagnostic laboratories have submitted clinical-significance assessments for this variant to ClinVar after 2014 (evaluated in 2017) without evidence for independent evaluation. All laboratories classified the variant as uncertain significance. One submitter cites overlapping but not all the recently published evidence utilized in the context of this evaluation. Based on the evidence outlined above, the variant was classified as likely pathogenic.

Juno Genomics, Hangzhou Juno Genomics, Inc
Classification: Likely pathogenic for Retinitis pigmentosa 39; Usher syndrome type 2A. Review status: criteria provided, single submitter. Criteria: ACMG Guidelines, 2015. Collection method: clinical testing. Allele origin: germline.
Comment: For recessive disorders, detected in trans with a pathogenic variant.;Patient's phenotype or family history is highly specific for a disease with a single genetic etiology.

Literature cited by the submitters: PubMed 23661368 (cited by Labcorp Genetics (formerly Invitae), Labcorp and Women's Health and Genetics/Laboratory Corporation of America, LabCorp); PubMed 23967202 (cited by 4 submitters); PubMed 29625443 (cited by 4 submitters); PubMed 30029497 (cited by 4 submitters); PubMed 31960602 (cited by 4 submitters); PubMed 32188678 (cited by 4 submitters); PubMed 36597107 (cited by Labcorp Genetics (formerly Invitae), Labcorp); PubMed 31213501 (cited by Myriad Genetics, Inc.); PubMed 25268133 (cited by Myriad Genetics, Inc. and Women's Health and Genetics/Laboratory Corporation of America, LabCorp).